The following is an entry in ClinVar:

ClinVar aggregate classification (germline): Uncertain significance (1 of 4 stars; one submission).

Conditions:
Familial sleep-related hypermotor epilepsy. Also called: Autosomal Dominant Sleep-Related Hypermotor (Hyperkinetic) Epilepsy. Identifiers: Orphanet 98784, MedGen C3696898, MONDO:0000030.

Allele frequency attached by ClinVar (database versions not stated): TOPMed below 0.00001.

Submission:

Labcorp Genetics (formerly Invitae), Labcorp
Classification: Uncertain significance. Last evaluated: 2023-10-13. Review status: criteria provided, single submitter. Criteria: Invitae Variant Classification Sherloc (09022015). Collection method: clinical testing. Allele origin: germline.
Comment: This sequence change replaces glycine, which is neutral and non-polar, with arginine, which is basic and polar, at codon 430 of the CHRNB2 protein (p.Gly430Arg). This variant is not present in population databases (gnomAD no frequency). This variant has not been reported in the literature in individuals affected with CHRNB2-related conditions. Advanced modeling of protein sequence and biophysical properties (such as structural, functional, and spatial information, amino acid conservation, physicochemical variation, residue mobility, and thermodynamic stability) performed at Invitae indicates that this missense variant is not expected to disrupt CHRNB2 protein function. In summary, the available evidence is currently insufficient to determine the role of this variant in disease. Therefore, it has been classified as a Variant of Uncertain Significance.

NM_000748.3(CHRNB2):c.1288G>C (p.Gly430Arg)

Gene: CHRNB2 (cholinergic receptor nicotinic beta 2 subunit; plus strand). Cytogenetic location: 1q21.3.
Variant type: single nucleotide variant.
Coding change: c.1288G>C on transcript NM_000748.3 (MANE Select); coding-DNA position 1288, G replaced by C.
Protein change: p.Gly430Arg; replaces glycine 430 with arginine.
Molecular consequence: missense variant.
Genome position (GRCh38, 1-based): chr1:154,572,111, G>C. VCF-style: chr1-154572111-G-C. GRCh37 (hg19) VCF-style: chr1-154544587-G-C.
Other names: short protein forms G430R.
Identifiers: ClinVar variation 2740896 (VCV002740896.3), dbSNP rs1284002598, ClinGen allele CA342631860.